The following is an entry in ClinVar:

ClinVar aggregate classification (germline): Uncertain significance. Review status: criteria provided, multiple submitters, no conflicts (2 of 4 stars). 2 submissions from 2 submitters: Uncertain significance (2). Last evaluated 2025-10-02.

Conditions:
Age related macular degeneration 4. Identifiers: MedGen C1853147, MONDO:0012540, OMIM 610698.

gnomAD v4.1: 18 of 1,613,274 alleles (0.0011%); highest among the groups gnomAD compares: Non-Finnish European, 0.0014%; no homozygotes.

Submissions (2):

Genomenon, Inc
Classification: Uncertain significance for Age related macular degeneration 4. Last evaluated: 2025-10-02. Review status: criteria provided, single submitter. Criteria: Genomenon Sequence Variant Interpretation Standards - Updated. Collection method: curation. Allele origin: germline. Affected: yes.
Comment: CFH p.Pro384Arg (c.1151C>G) is a missense variant that changes the amino acid at residue 384 from Proline to Arginine. This variant has been observed in at least one proband affected with age-related macular degeneration (PMID:26501415). It is absent or not present at a significant frequency in gnomAD. In conclusion, we classify CFH p.Pro384Arg (c.1151C>G) as a variant of uncertain significance.

Labcorp Genetics (formerly Invitae), Labcorp
Classification: Uncertain significance. Last evaluated: 2022-10-16. Review status: criteria provided, single submitter. Criteria: Invitae Variant Classification Sherloc (09022015). Collection method: clinical testing. Allele origin: germline.
Comment: In summary, the available evidence is currently insufficient to determine the role of this variant in disease. Therefore, it has been classified as a Variant of Uncertain Significance. This sequence change replaces proline, which is neutral and non-polar, with arginine, which is basic and polar, at codon 384 of the CFH protein (p.Pro384Arg). This variant is not present in population databases (gnomAD no frequency). This missense change has been observed in individual(s) with age-related macular degeneration (PMID: 26501415). Algorithms developed to predict the effect of missense changes on protein structure and function are either unavailable or do not agree on the potential impact of this missense change (SIFT: "Tolerated"; PolyPhen-2: "Possibly Damaging"; Align-GVGD: "Class C0").

Literature cited by the submitters: PubMed 26501415 (cited by Genomenon, Inc and Labcorp Genetics (formerly Invitae), Labcorp).

NM_000186.4(CFH):c.1151C>G (p.Pro384Arg)

Gene: CFH (complement factor H; plus strand). Cytogenetic location: 1q31.3.
Variant type: single nucleotide variant.
Coding change: c.1151C>G on transcript NM_000186.4 (MANE Select); coding-DNA position 1151, C replaced by G.
Protein change: p.Pro384Arg; replaces proline 384 with arginine.
Molecular consequence: missense variant.
Genome position (GRCh38, 1-based): chr1:196,689,606, C>G. VCF-style: chr1-196689606-C-G. GRCh37 (hg19) VCF-style: chr1-196658736-C-G.
Other names: c.1151C>G, p.Pro384Arg (NM_001014975.3); short protein forms P384R.
Identifiers: ClinVar variation 2202900 (VCV002202900.5), dbSNP rs747364631, ClinGen allele CA343980241.
Genomic context (GRCh38, chr1:196,689,606, plus strand): 5'-CGTCAGGAAGTTACTGGGATCACATTCATTGCACACAAGATGGATGGTCGCCAGCAGTAC[C>G]ATGCCTCAGTAAGTAAACCTCTGAACTGCTATATATATGTATAAAACTTTCAAAGATCGA-3'
Protein context (NP_000177.2, residues 374-394): CTQDGWSPAV[Pro384Arg]CLRKCYFPYL